The following is an entry in ClinVar:

NM_005732.4(RAD50):c.3274C>G (p.Leu1092Val)

Gene: RAD50 (RAD50 double strand break repair protein; plus strand). Cytogenetic location: 5q31.1.
Variant type: single nucleotide variant.
Coding change: c.3274C>G on transcript NM_005732.4 (MANE Select); coding-DNA position 3274, C replaced by G.
Protein change: p.Leu1092Val; replaces leucine 1092 with valine.
Molecular consequence: missense variant.
Genome position (GRCh38, 1-based): chr5:132,618,179, C>G. VCF-style: chr5-132618179-C-G. GRCh37 (hg19) VCF-style: chr5-131953871-C-G.
Other names: short protein forms L1092V.
Identifiers: ClinVar variation 3312332 (VCV003312332.1).

ClinVar aggregate classification (germline): Uncertain significance (1 of 4 stars; one submission).

Conditions:
Hereditary cancer-predisposing syndrome. Also called: Neoplastic Syndromes, Hereditary; Tumor predisposition; Hereditary neoplastic syndrome; Hereditary Cancer Syndrome. Identifiers: Orphanet 140162, MedGen C0027672, MeSH D009386, MONDO:0015356.

Submission:

Ambry Genetics
Classification: Uncertain significance for Hereditary cancer-predisposing syndrome. Last evaluated: 2024-05-21. Review status: criteria provided, single submitter. Criteria: Ambry Variant Classification Scheme 2023. Collection method: clinical testing. Allele origin: germline.
Comment: The p.L1092V variant (also known as c.3274C>G), located in coding exon 21 of the RAD50 gene, results from a C to G substitution at nucleotide position 3274. The leucine at codon 1092 is replaced by valine, an amino acid with highly similar properties. This amino acid position is conserved. In addition, the in silico prediction for this alteration is inconclusive. Based on the available evidence, the clinical significance of this variant remains unclear.